The following is an entry in ClinVar:

NM_001110556.2(FLNA):c.683C>T (p.Ala228Val)

Gene: FLNA (filamin A; minus strand). Cytogenetic location: Xq28.
Variant type: single nucleotide variant.
Coding change: c.683C>T on transcript NM_001110556.2 (MANE Select); coding-DNA position 683, C replaced by T.
Protein change: p.Ala228Val; replaces alanine 228 with valine.
Molecular consequence: missense variant.
Genome position (GRCh38, 1-based): chrX:154,367,678, G>A on the plus strand (C>T on the coding strand, the complement: FLNA is on the minus strand). VCF-style: chrX-154367678-G-A. GRCh37 (hg19) VCF-style: chrX-153596046-G-A.
Other names: c.683C>T, p.Ala228Val (NM_001456.4); short protein forms A228V.
Identifiers: ClinVar variation 3754017 (VCV003754017.2).

ClinVar aggregate classification (germline): Uncertain significance (1 of 4 stars; one submission).

Conditions:
Melnick-Needles syndrome (MNS). Also called: MELNICK-NEEDLES OSTEODYSPLASTY; OSTEODYSPLASTY OF MELNICK AND NEEDLES; Melnick-Needles Syndrome (FLNA-MNS). Identifiers: Orphanet 2484, MedGen C0025237, MONDO:0010650, OMIM 309350.
Frontometaphyseal dysplasia (FMD1). Identifiers: Orphanet 1826, MedGen C0265293, MONDO:0015942.
Heterotopia, periventricular, X-linked dominant (PVNH1). Also called: PERIVENTRICULAR NODULAR HETEROTOPIA 1; X-linked periventricular heterotopia; PERIVENTRICULAR NODULAR HETEROTOPIA 4; HETEROTOPIA, PERIVENTRICULAR, 1. Identifiers: Orphanet 2149, Orphanet 82004, MedGen C1848213, MONDO:0010233, OMIM 300049.
Oto-palato-digital syndrome, type II (OPD2). Also called: FACIOPALATOOSSEOUS SYNDROME; OPD II SYNDROME; Otopalatodigital Syndrome, Type II; Otopalatodigital Syndrome Type 2 (FLNA-OPD2). Identifiers: Orphanet 669, Orphanet 90652, MedGen C1844696, MONDO:0010571, OMIM 304120.

Submission:

Labcorp Genetics (formerly Invitae), Labcorp
Classification: Uncertain significance for Oto-palato-digital syndrome, type II; Heterotopia, periventricular, X-linked dominant; Frontometaphyseal dysplasia; Melnick-Needles syndrome. Last evaluated: 2024-10-11. Review status: criteria provided, single submitter. Criteria: Invitae Variant Classification Sherloc (09022015). Collection method: clinical testing. Allele origin: germline.
Comment: This sequence change replaces alanine, which is neutral and non-polar, with valine, which is neutral and non-polar, at codon 228 of the FLNA protein (p.Ala228Val). This variant is not present in population databases (gnomAD no frequency). This variant has not been reported in the literature in individuals affected with FLNA-related conditions. Invitae Evidence Modeling of protein sequence and biophysical properties (such as structural, functional, and spatial information, amino acid conservation, physicochemical variation, residue mobility, and thermodynamic stability) has been performed for this missense variant. However, the output from this modeling did not meet the statistical confidence thresholds required to predict the impact of this variant on FLNA protein function. In summary, the available evidence is currently insufficient to determine the role of this variant in disease. Therefore, it has been classified as a Variant of Uncertain Significance.